The following is an entry in ClinVar:

NM_017617.5(NOTCH1):c.5785G>A (p.Glu1929Lys)

Gene: NOTCH1 (notch receptor 1; minus strand). Cytogenetic location: 9q34.3.
Variant type: single nucleotide variant.
Coding change: c.5785G>A on transcript NM_017617.5 (MANE Select); coding-DNA position 5785, G replaced by A.
Protein change: p.Glu1929Lys; replaces glutamic acid 1929 with lysine.
Molecular consequence: missense variant.
Genome position (GRCh38, 1-based): chr9:136,500,701, C>T on the plus strand (G>A on the coding strand, the complement: NOTCH1 is on the minus strand). VCF-style: chr9-136500701-C-T. GRCh37 (hg19) VCF-style: chr9-139395153-C-T.
Other names: short protein forms E1929K.
Identifiers: ClinVar variation 4282323 (VCV004282323.1).

ClinVar aggregate classification (germline): Uncertain significance (1 of 4 stars; one submission).

Submission:

GeneDx
Classification: Uncertain significance. Last evaluated: 2025-04-20. Review status: criteria provided, single submitter. Criteria: GeneDx Variant Classification Process June 2021. Collection method: clinical testing. Allele origin: germline. Affected: yes.
Comment: Not observed at significant frequency in large population cohorts (gnomAD); In silico analysis supports that this missense variant has a deleterious effect on protein structure/function; Has not been previously published as pathogenic or benign to our knowledge